The following is an entry in ClinVar:

ClinVar aggregate classification (germline): Uncertain significance (1 of 4 stars; one submission).

Allele frequency attached by ClinVar (database versions not stated): gnomAD exomes below 0.00001; ExAC 0.00001; gnomAD 0.00001.

Submission:

Labcorp Genetics (formerly Invitae), Labcorp
Classification: Uncertain significance. Last evaluated: 2023-08-05. Review status: criteria provided, single submitter. Criteria: Invitae Variant Classification Sherloc (09022015). Collection method: clinical testing. Allele origin: germline.
Comment: This sequence change replaces tyrosine, which is neutral and polar, with histidine, which is basic and polar, at codon 345 of the DUOX2 protein (p.Tyr345His). This variant is present in population databases (rs765928368, gnomAD 0.0009%). This variant has not been reported in the literature in individuals affected with DUOX2-related conditions. Advanced modeling of protein sequence and biophysical properties (such as structural, functional, and spatial information, amino acid conservation, physicochemical variation, residue mobility, and thermodynamic stability) performed at Invitae indicates that this missense variant is not expected to disrupt DUOX2 protein function. In summary, the available evidence is currently insufficient to determine the role of this variant in disease. Therefore, it has been classified as a Variant of Uncertain Significance.

NM_001363711.2(DUOX2):c.1033T>C (p.Tyr345His)

Gene: DUOX2 (dual oxidase 2; minus strand). Cytogenetic location: 15q21.1.
Variant type: single nucleotide variant.
Coding change: c.1033T>C on transcript NM_001363711.2 (MANE Select); coding-DNA position 1033, T replaced by C.
Protein change: p.Tyr345His; replaces tyrosine 345 with histidine.
Molecular consequence: missense variant.
Genome position (GRCh38, 1-based): chr15:45,110,435, A>G on the plus strand (T>C on the coding strand, the complement: DUOX2 is on the minus strand). VCF-style: chr15-45110435-A-G. GRCh37 (hg19) VCF-style: chr15-45402633-A-G.
Other names: c.1033T>C, p.Tyr345His (NM_014080.5); short protein forms Y345H.
Identifiers: ClinVar variation 2831349 (VCV002831349.3), dbSNP rs765928368, ClinGen allele CA7538783.